The following is an entry in ClinVar:

ClinVar aggregate classification (germline): Uncertain significance (1 of 4 stars; one submission).

Conditions:
Fanconi anemia (FA). Also called: Fanconi's anemia. Identifiers: Orphanet 84, MedGen C0015625, MeSH D005199, MONDO:0019391.

Allele frequency attached by ClinVar (database versions not stated): gnomAD exomes below 0.00001; TOPMed below 0.00001.
gnomAD v4.1: 1 of 1,613,018 alleles (0.000062%); highest among the groups gnomAD compares: Non-Finnish European, 0.000085%; no homozygotes.

Submission:

Labcorp Genetics (formerly Invitae), Labcorp
Classification: Uncertain significance for Fanconi anemia. Last evaluated: 2023-05-18. Review status: criteria provided, single submitter. Criteria: Invitae Variant Classification Sherloc (09022015). Collection method: clinical testing. Allele origin: germline.
Comment: In summary, the available evidence is currently insufficient to determine the role of this variant in disease. Therefore, it has been classified as a Variant of Uncertain Significance. Algorithms developed to predict the effect of sequence changes on RNA splicing suggest that this variant may create or strengthen a splice site. An algorithm developed to predict the effect of missense changes on protein structure and function (PolyPhen-2) suggests that this variant is likely to be disruptive. This variant has not been reported in the literature in individuals affected with FANCM-related conditions. This variant is present in population databases (no rsID available, gnomAD 0.0009%). This sequence change replaces arginine, which is basic and polar, with glutamine, which is neutral and polar, at codon 486 of the FANCM protein (p.Arg486Gln).

NM_020937.4(FANCM):c.1457G>A (p.Arg486Gln)

Gene: FANCM (FA complementation group M; plus strand). Cytogenetic location: 14q21.2.
Variant type: single nucleotide variant.
Coding change: c.1457G>A on transcript NM_020937.4 (MANE Select); coding-DNA position 1457, G replaced by A.
Protein change: p.Arg486Gln; replaces arginine 486 with glutamine.
Molecular consequence: missense variant.
Genome position (GRCh38, 1-based): chr14:45,159,156, G>A. VCF-style: chr14-45159156-G-A. GRCh37 (hg19) VCF-style: chr14-45628359-G-A.
Other names: c.1379G>A, p.Arg460Gln (NM_001308133.2); c.1457G>A, p.Arg486Gln (NM_001308134.2); short protein forms R460Q, R486Q.
Identifiers: ClinVar variation 2972411 (VCV002972411.3), dbSNP rs1469688264, ClinGen allele CA389592487.
Genomic context (GRCh38, chr14:45,159,156, plus strand): 5'-CTGAAAACACTACTGAAAAGAAACGTGATGAGACCCGAGTTATGATCTTCTCTTCATTTC[G>A]AGATAGTGTTCAAGAAATTGCAGAAATGCTTTCACAGCATCAGCCAATTATTAGAGTAAT-3'
Protein context (NP_065988.1, residues 476-496): ETRVMIFSSF[Arg486Gln]DSVQEIAEML